The following is an entry in ClinVar:

ClinVar aggregate classification (germline): Conflicting classifications of pathogenicity. Review status: criteria provided, conflicting classifications (1 of 4 stars). 3 submissions from 3 submitters: Uncertain significance (1); Likely benign (2). Last evaluated 2023-09-26.

Conditions:
Hereditary cancer-predisposing syndrome. Also called: Neoplastic Syndromes, Hereditary; Tumor predisposition; Hereditary Cancer Syndrome; Hereditary neoplastic syndrome. Identifiers: Orphanet 140162, MedGen C0027672, MeSH D009386, MONDO:0015356.
Rhabdoid tumor predisposition syndrome 2 (RTPS2). Identifiers: Orphanet 231108, Orphanet 69077, MedGen C2750074, MONDO:0013224, OMIM 613325.

Submissions (3):

Labcorp Genetics (formerly Invitae), Labcorp
Classification: Likely benign for Rhabdoid tumor predisposition syndrome 2. Last evaluated: 2023-09-26. Review status: criteria provided, single submitter. Criteria: Invitae Variant Classification Sherloc (09022015). Collection method: clinical testing. Allele origin: germline.

GeneDx
Classification: Uncertain significance. Last evaluated: 2023-04-17. Review status: criteria provided, single submitter. Criteria: GeneDx Variant Classification Process June 2021. Collection method: clinical testing. Allele origin: germline. Affected: yes.
Comment: Not observed at significant frequency in large population cohorts (gnomAD); In silico analysis supports that this variant does not alter splicing; Has not been previously published as pathogenic or benign to our knowledge

Ambry Genetics
Classification: Likely benign for Hereditary cancer-predisposing syndrome. Last evaluated: 2017-01-10. Review status: criteria provided, single submitter. Criteria: Ambry Variant Classification Scheme 2023. Collection method: clinical testing. Allele origin: germline.

NM_003072.5(SMARCA4):c.3457C>T (p.Leu1153=)

Gene: SMARCA4 (SWI/SNF related BAF chromatin remodeling complex subunit ATPase 4; plus strand). Cytogenetic location: 19p13.2.
Variant type: single nucleotide variant.
Coding change: c.3457C>T on transcript NM_003072.5 (MANE Select); coding-DNA position 3457, C replaced by T.
Protein change: p.Leu1153=; no amino-acid change (leucine 1153 retained).
Molecular consequence: synonymous variant. On other transcripts: non-coding transcript variant (1).
Genome position (GRCh38, 1-based): chr19:11,030,804, C>T. VCF-style: chr19-11030804-C-T. GRCh37 (hg19) VCF-style: chr19-11141480-C-T.
Other names: c.3457C>T, p.Leu1153= (NM_001128844.3, NM_001128845.2, NM_001128846.2 and 5 more transcripts).
Identifiers: ClinVar variation 484945 (VCV000484945.15), dbSNP rs1555783211, ClinGen allele CA505492148.